The following is an entry in ClinVar:

ClinVar aggregate classification (germline): Uncertain significance (1 of 4 stars; one submission).

Submission:

Labcorp Genetics (formerly Invitae), Labcorp
Classification: Uncertain significance. Last evaluated: 2022-12-03. Review status: criteria provided, single submitter. Criteria: Invitae Variant Classification Sherloc (09022015). Collection method: clinical testing. Allele origin: germline.
Comment: In summary, the available evidence is currently insufficient to determine the role of this variant in disease. Therefore, it has been classified as a Variant of Uncertain Significance. This variant has not been reported in the literature in individuals affected with PEX11B-related conditions. This variant results in a copy number gain of the genomic region encompassing exon(s) 4 of the PEX11B gene. This region includes the termination codon of the gene. This copy number gain extends beyond the assayed region for this gene and therefore may encompass additional genes. As the precise location of this event is unknown, it may be in tandem or it may be located elsewhere in the genome.

NC_000001.10:g.(?_145522494)_(145522919_?)dup

Gene: PEX11B (peroxisomal biogenesis factor 11 beta; minus strand). Cytogenetic location: 1q21.1.
Variant type: Duplication.
Identifiers: ClinVar variation 2424777 (VCV002424777.3).